The following is an entry in ClinVar:

NM_005045.4(RELN):c.5788T>C (p.Tyr1930His)

Gene: RELN (reelin; minus strand). Cytogenetic location: 7q22.1.
Variant type: single nucleotide variant.
Coding change: c.5788T>C on transcript NM_005045.4 (MANE Select); coding-DNA position 5788, T replaced by C.
Protein change: p.Tyr1930His; replaces tyrosine 1930 with histidine.
Molecular consequence: missense variant.
Genome position (GRCh38, 1-based): chr7:103,556,986, A>G on the plus strand (T>C on the coding strand, the complement: RELN is on the minus strand). VCF-style: chr7-103556986-A-G. GRCh37 (hg19) VCF-style: chr7-103197433-A-G.
Other names: c.5788T>C, p.Tyr1930His (NM_173054.3); short protein forms Y1930H.
Identifiers: ClinVar variation 968007 (VCV000968007.9), dbSNP rs956716779, ClinGen allele CA163907003.

ClinVar aggregate classification (germline): Uncertain significance. Review status: criteria provided, multiple submitters, no conflicts (2 of 4 stars). 2 submissions from 2 submitters: Uncertain significance (2). Last evaluated 2025-04-17.

Conditions:
Inborn genetic diseases. Identifiers: MedGen C0950123, MeSH D030342.
Norman-Roberts syndrome (LIS2). Also called: Lissencephaly 2 (Norman-Roberts type). Identifiers: Orphanet 89844, MedGen C0796089, MONDO:0009760, OMIM 257320.
Familial temporal lobe epilepsy 7. Identifiers: Orphanet 101046, MedGen C4225327, MONDO:0014639, OMIM 616436.

Allele frequency attached by ClinVar (database versions not stated): TOPMed below 0.00001.
gnomAD v4.1: 3 of 1,611,276 alleles (0.00019%); no homozygotes.

Submissions (2):

Labcorp Genetics (formerly Invitae), Labcorp
Classification: Uncertain significance for Familial temporal lobe epilepsy 7; Norman-Roberts syndrome. Last evaluated: 2025-04-17. Review status: criteria provided, single submitter. Criteria: Invitae Variant Classification Sherloc (09022015). Collection method: clinical testing. Allele origin: germline.
Comment: This sequence change replaces tyrosine, which is neutral and polar, with histidine, which is basic and polar, at codon 1930 of the RELN protein (p.Tyr1930His). This variant is not present in population databases (gnomAD no frequency). This variant has not been reported in the literature in individuals affected with RELN-related conditions. ClinVar contains an entry for this variant (Variation ID: 968007). Invitae Evidence Modeling of protein sequence and biophysical properties (such as structural, functional, and spatial information, amino acid conservation, physicochemical variation, residue mobility, and thermodynamic stability) indicates that this missense variant is not expected to disrupt RELN protein function with a negative predictive value of 80%. In summary, the available evidence is currently insufficient to determine the role of this variant in disease. Therefore, it has been classified as a Variant of Uncertain Significance.

Ambry Genetics
Classification: Uncertain significance for Inborn genetic diseases. Last evaluated: 2024-12-31. Review status: criteria provided, single submitter. Criteria: Ambry Variant Classification Scheme 2023. Collection method: clinical testing. Allele origin: germline.